The following is an entry in ClinVar:

NM_012414.4(RAB3GAP2):c.2477C>G (p.Thr826Arg)

Gene: RAB3GAP2 (RAB3 GTPase activating non-catalytic protein subunit 2; minus strand). Cytogenetic location: 1q41.
Variant type: single nucleotide variant.
Coding change: c.2477C>G on transcript NM_012414.4 (MANE Select); coding-DNA position 2477, C replaced by G.
Protein change: p.Thr826Arg; replaces threonine 826 with arginine.
Molecular consequence: missense variant.
Genome position (GRCh38, 1-based): chr1:220,171,989, G>C on the plus strand (C>G on the coding strand, the complement: RAB3GAP2 is on the minus strand). VCF-style: chr1-220171989-G-C. GRCh37 (hg19) VCF-style: chr1-220345331-G-C.
Other names: short protein forms T826R.
Identifiers: ClinVar variation 944921 (VCV000944921.9), dbSNP rs1658187235, ClinGen allele CA344638803.
Genomic context (GRCh38, chr1:220,171,989, plus strand): 5'-GAATGCCCAACATGCGCAGACAACAGAGCGGCTCCATTGTTCTCAGACTGAATACAGGCT[G>C]TGCGCATCTGCTGCCACCATGGGGACACAGACTGAGAATCCCAGGTCTCATCGATGGCCA-3'
Protein context (NP_036546.2, residues 816-836): SVSPWWQQMR[Thr826Arg]ACIQSENNGA

ClinVar aggregate classification (germline): Uncertain significance (1 of 4 stars; one submission).

Conditions:
Martsolf syndrome (MARTS). Also called: Congenital cataract with intellectual disability and hypogonadotropic hypogonadism syndrome. Identifiers: Orphanet 1387, MedGen C0796037, MONDO:0023910.
Warburg micro syndrome 2 (WARBM2). Also called: MICRO SYNDROME 2. Identifiers: Orphanet 2510, MedGen C3280214, MONDO:0013641, OMIM 614225.

Submission:

Labcorp Genetics (formerly Invitae), Labcorp
Classification: Uncertain significance for Martsolf syndrome; Warburg micro syndrome 2. Last evaluated: 2019-07-31. Review status: criteria provided, single submitter. Criteria: Invitae Variant Classification Sherloc (09022015). Collection method: clinical testing. Allele origin: germline.
Comment: In summary, the available evidence is currently insufficient to determine the role of this variant in disease. Therefore, it has been classified as a Variant of Uncertain Significance. Algorithms developed to predict the effect of missense changes on protein structure and function (SIFT, PolyPhen-2, Align-GVGD) all suggest that this variant is likely to be tolerated, but these predictions have not been confirmed by published functional studies and their clinical significance is uncertain. This variant has not been reported in the literature in individuals with RAB3GAP2-related conditions. This variant is not present in population databases (ExAC no frequency). This sequence change replaces threonine with arginine at codon 826 of the RAB3GAP2 protein (p.Thr826Arg). The threonine residue is weakly conserved and there is a moderate physicochemical difference between threonine and arginine.